The following is an entry in ClinVar:

NM_019074.4(DLL4):c.1895C>T (p.Pro632Leu)

Gene: DLL4 (delta like canonical Notch ligand 4; plus strand). Cytogenetic location: 15q15.1.
Variant type: single nucleotide variant.
Coding change: c.1895C>T on transcript NM_019074.4 (MANE Select); coding-DNA position 1895, C replaced by T.
Protein change: p.Pro632Leu; replaces proline 632 with leucine.
Molecular consequence: missense variant.
Genome position (GRCh38, 1-based): chr15:40,936,882, C>T. VCF-style: chr15-40936882-C-T. GRCh37 (hg19) VCF-style: chr15-41229080-C-T.
Other names: c.1895C>T (NM_019074.3); short protein forms P632L.
Identifiers: ClinVar variation 1469964 (VCV001469964.9), dbSNP rs775051666, ClinGen allele CA7488015.

ClinVar aggregate classification (germline): Uncertain significance. Review status: criteria provided, multiple submitters, no conflicts (2 of 4 stars). 2 submissions from 2 submitters: Uncertain significance (2). Last evaluated 2025-08-29.

Conditions:
Inborn genetic diseases. Identifiers: MedGen C0950123, MeSH D030342.

Allele frequency attached by ClinVar (database versions not stated): gnomAD exomes 0.00001; ExAC 0.00002; gnomAD 0.00002; TOPMed 0.00002.
gnomAD v4.1: 10 of 1,612,638 alleles (0.00062%); highest among the groups gnomAD compares: Admixed American, 0.0017%; no homozygotes.

Submissions (2):

Ambry Genetics
Classification: Uncertain significance for Inborn genetic diseases. Last evaluated: 2025-08-29. Review status: criteria provided, single submitter. Criteria: Ambry Variant Classification Scheme 2023. Collection method: clinical testing. Allele origin: germline.

Labcorp Genetics (formerly Invitae), Labcorp
Classification: Uncertain significance. Last evaluated: 2023-09-29. Review status: criteria provided, single submitter. Criteria: Invitae Variant Classification Sherloc (09022015). Collection method: clinical testing. Allele origin: germline.
Comment: This variant has not been reported in the literature in individuals affected with DLL4-related conditions. This sequence change replaces proline, which is neutral and non-polar, with leucine, which is neutral and non-polar, at codon 632 of the DLL4 protein (p.Pro632Leu). This variant is present in population databases (rs775051666, gnomAD 0.003%). ClinVar contains an entry for this variant (Variation ID: 1469964). Advanced modeling of protein sequence and biophysical properties (such as structural, functional, and spatial information, amino acid conservation, physicochemical variation, residue mobility, and thermodynamic stability) performed at Invitae indicates that this missense variant is not expected to disrupt DLL4 protein function. In summary, the available evidence is currently insufficient to determine the role of this variant in disease. Therefore, it has been classified as a Variant of Uncertain Significance.